The following is an entry in ClinVar:

NM_212482.4(FN1):c.6614A>C (p.Glu2205Ala)

Gene: FN1 (fibronectin 1; minus strand). Cytogenetic location: 2q35.
Variant type: single nucleotide variant.
Coding change: c.6614A>C on transcript NM_212482.4 (MANE Select); coding-DNA position 6614, A replaced by C.
Protein change: p.Glu2205Ala; replaces glutamic acid 2205 with alanine.
Molecular consequence: missense variant.
Genome position (GRCh38, 1-based): chr2:215,372,009, T>G on the plus strand (A>C on the coding strand, the complement: FN1 is on the minus strand). VCF-style: chr2-215372009-T-G. GRCh37 (hg19) VCF-style: chr2-216236732-T-G.
Other names: c.6521A>C, p.Glu2174Ala (NM_001306129.2); c.5984A>C, p.Glu1995Ala (NM_001306130.2); c.5978A>C, p.Glu1993Ala (NM_001306131.2); c.5903A>C, p.Glu1968Ala (NM_001306132.2); c.6344A>C, p.Glu2115Ala (NM_001365517.2); c.6341A>C, p.Glu2114Ala (NM_001365518.2); c.6269A>C, p.Glu2090Ala (NM_001365519.2); c.6266A>C, p.Glu2089Ala (NM_001365520.2); and 8 more; short protein forms E1904A, E1993A, E2059A, E2084A, E2114A, E1994A, E2024A, E2089A.
Identifiers: ClinVar variation 3696427 (VCV003696427.2).
Genomic context (GRCh38, chr2:215,372,009, plus strand): 5'-ATGATGTACTCAGAAGTGTCCTGGAATGGGGCCCATGAGATGGTTGTCTGAGAGAGAGCT[T>G]CTTGTCCTGTAGAGGCATTTGGATTGAGTCCCGGACCGTGTGGGTACAGGTGATAGTCTA-3'
Protein context (NP_997647.2, residues 2195-2215): GLNPNASTGQ[Glu2205Ala]ALSQTTISWA

ClinVar aggregate classification (germline): Uncertain significance (1 of 4 stars; one submission).

gnomAD v4.1: 3 of 1,614,074 alleles (0.00019%); highest among the groups gnomAD compares: African/African-American, 0.0027%; no homozygotes.

Submission:

Labcorp Genetics (formerly Invitae), Labcorp
Classification: Uncertain significance. Last evaluated: 2025-01-30. Review status: criteria provided, single submitter. Criteria: Invitae Variant Classification Sherloc (09022015). Collection method: clinical testing. Allele origin: germline.
Comment: This sequence change replaces glutamic acid, which is acidic and polar, with alanine, which is neutral and non-polar, at codon 2205 of the FN1 protein (p.Glu2205Ala). This variant is not present in population databases (gnomAD no frequency). This variant has not been reported in the literature in individuals affected with FN1-related conditions. An algorithm developed to predict the effect of missense changes on protein structure and function (PolyPhen-2) suggests that this variant is likely to be tolerated. In summary, the available evidence is currently insufficient to determine the role of this variant in disease. Therefore, it has been classified as a Variant of Uncertain Significance.